The following is an entry in ClinVar:

NM_004260.4(RECQL4):c.1135T>G (p.Trp379Gly)

Gene: RECQL4 (RecQ like helicase 4; minus strand). Cytogenetic location: 8q24.3.
Variant type: single nucleotide variant.
Coding change: c.1135T>G on transcript NM_004260.4 (MANE Select); coding-DNA position 1135, T replaced by G.
Protein change: p.Trp379Gly; replaces tryptophan 379 with glycine.
Molecular consequence: missense variant. On other transcripts: initiator codon variant (5), non-coding transcript variant (3), intron variant (1).
Genome position (GRCh38, 1-based): chr8:144,515,887, A>C on the plus strand (T>G on the coding strand, the complement: RECQL4 is on the minus strand). VCF-style: chr8-144515887-A-C. GRCh37 (hg19) VCF-style: chr8-145741271-A-C.
Other names: c.1039T>G, p.Trp347Gly (NM_001413017.1, NM_001413020.1); c.1135T>G, p.Trp379Gly (NM_001413018.1, NM_001413019.1, NM_001413033.1 and 2 more transcripts); c.64T>G, p.Trp22Gly (NM_001413021.1, NM_001413022.1, NM_001413023.1 and 8 more transcripts); c.1006T>G, p.Trp336Gly (NM_001413025.1); c.2T>G, p.Met1Arg (NM_001413027.1, NM_001413030.1, NM_001413031.1 and 2 more transcripts); c.784T>G, p.Trp262Gly (NM_001413029.1); c.-210+101T>G (NM_001413043.1); short protein forms W22G, W379G, M1R, W262G, W336G, W347G.
Identifiers: ClinVar variation 3944277 (VCV003944277.1).
Genomic context (GRCh38, chr8:144,515,887, plus strand): 5'-TTGTGACTGTGGCACCACCACCCCCAAAACACTCCCCTTTCTTCCGCCACTTCTGCTTCC[A>C]TGCCTGGGGGGTGCCCACATAGGAGGGTCACTGGGCGGGAAATACGGGAGGGCTGAGGGG-3'
Protein context (NP_004251.4, residues 369-389): LRSRLLRKQA[Trp379Gly]KQKWRKKGEC

ClinVar aggregate classification (germline): Uncertain significance (1 of 4 stars; one submission).

Conditions:
Inborn genetic diseases. Identifiers: MedGen C0950123, MeSH D030342.

gnomAD v4.1: 1 of 1,612,832 alleles (0.000062%); highest among the groups gnomAD compares: Non-Finnish European, 0.000085%; no homozygotes.

Submission:

Ambry Genetics
Classification: Uncertain significance for Inborn genetic diseases. Last evaluated: 2025-04-11. Review status: criteria provided, single submitter. Criteria: Ambry Variant Classification Scheme 2023. Collection method: clinical testing. Allele origin: germline.
Comment: The p.W379G variant (also known as c.1135T>G), located in coding exon 6 of the RECQL4 gene, results from a T to G substitution at nucleotide position 1135. The tryptophan at codon 379 is replaced by glycine, an amino acid with highly dissimilar properties. This amino acid position is conserved. In addition, the in silico prediction for this alteration is inconclusive. Based on the available evidence, the clinical significance of this variant remains unclear.